The following is an entry in ClinVar:

ClinVar aggregate classification (germline): Uncertain significance. Review status: criteria provided, multiple submitters, no conflicts (2 of 4 stars). 3 submissions from 3 submitters: Uncertain significance (3). Last evaluated 2023-12-12.

Conditions:
Inborn genetic diseases. Identifiers: MedGen C0950123, MeSH D030342.

Allele frequency attached by ClinVar (database versions not stated): ExAC 0.00001; TOPMed 0.00002; gnomAD 0.00003.
gnomAD v4.1: 19 of 1,612,024 alleles (0.0012%); highest among the groups gnomAD compares: Admixed American, 0.0017%; no homozygotes.

Submissions (3):

Ambry Genetics
Classification: Uncertain significance for Inborn genetic diseases. Last evaluated: 2023-12-12. Review status: criteria provided, single submitter. Criteria: Ambry Variant Classification Scheme 2023. Collection method: clinical testing. Allele origin: germline.

Mayo Clinic Laboratories, Mayo Clinic
Classification: Uncertain significance. Last evaluated: 2023-08-17. Review status: criteria provided, single submitter. Criteria: ACMG Guidelines, 2015. Collection method: clinical testing. Allele origin: germline. Observed: 1 variant allele.

Labcorp Genetics (formerly Invitae), Labcorp
Classification: Uncertain significance. Last evaluated: 2022-02-01. Review status: criteria provided, single submitter. Criteria: Invitae Variant Classification Sherloc (09022015). Collection method: clinical testing. Allele origin: germline.
Comment: In summary, the available evidence is currently insufficient to determine the role of this variant in disease. Therefore, it has been classified as a Variant of Uncertain Significance. Algorithms developed to predict the effect of sequence changes on RNA splicing suggest that this variant may create or strengthen a splice site. Algorithms developed to predict the effect of missense changes on protein structure and function are either unavailable or do not agree on the potential impact of this missense change (SIFT: "Deleterious"; PolyPhen-2: "Probably Damaging"; Align-GVGD: "Class C0"). This variant has not been reported in the literature in individuals affected with SPARC-related conditions. The frequency data for this variant in the population databases is considered unreliable, as metrics indicate poor data quality at this position in the gnomAD database. This sequence change replaces glycine, which is neutral and non-polar, with arginine, which is basic and polar, at codon 13 of the SPARC protein (p.Gly13Arg).

NM_003118.4(SPARC):c.37G>A (p.Gly13Arg)

Gene: SPARC (secreted protein acidic and cysteine rich; minus strand). Cytogenetic location: 5q33.1.
Variant type: single nucleotide variant.
Coding change: c.37G>A on transcript NM_003118.4 (MANE Select); coding-DNA position 37, G replaced by A.
Protein change: p.Gly13Arg; replaces glycine 13 with arginine.
Molecular consequence: missense variant.
Genome position (GRCh38, 1-based): chr5:151,676,152, C>T on the plus strand (G>A on the coding strand, the complement: SPARC is on the minus strand). VCF-style: chr5-151676152-C-T. GRCh37 (hg19) VCF-style: chr5-151055713-C-T.
Other names: p.Gly13Arg; c.37G>A, p.Gly13Arg (NM_001309443.2, NM_001309444.2); c.37G>A (NM_003118.2); short protein forms G13R.
Identifiers: ClinVar variation 2164055 (VCV002164055.5), dbSNP rs754061225, ClinGen allele CA3522848.